The following is an entry in ClinVar:

NM_000138.5(FBN1):c.6572C>T (p.Thr2191Ile)

Gene: FBN1 (fibrillin 1; minus strand). Cytogenetic location: 15q21.1.
Variant type: single nucleotide variant.
Coding change: c.6572C>T on transcript NM_000138.5 (MANE Select); coding-DNA position 6572, C replaced by T.
Protein change: p.Thr2191Ile; replaces threonine 2191 with isoleucine.
Molecular consequence: missense variant.
Genome position (GRCh38, 1-based): chr15:48,434,638, G>A on the plus strand (C>T on the coding strand, the complement: FBN1 is on the minus strand). VCF-style: chr15-48434638-G-A. GRCh37 (hg19) VCF-style: chr15-48726835-G-A.
Other names: c.6572C>T, p.Thr2191Ile (NM_001406716.1); short protein forms T2191I.
Identifiers: ClinVar variation 4758835 (VCV004758835.1).
Genomic context (GRCh38, chr15:48,434,638, plus strand): 5'-TGTTTAAGAGATGTACCTTCACATGTCATCATTGGACCGGGCTCAAATCCCTCCTCGCAG[G>A]TGCATTCAAAACCTCCAATCACATTCTTGCAGGTTCCATTTCCACAAGGATTGCCAACAG-3'
Protein context (NP_000129.3, residues 2181-2201): CKNVIGGFEC[Thr2191Ile]CEEGFEPGPM

ClinVar aggregate classification (germline): Uncertain significance (1 of 4 stars; one submission).

Conditions:
Familial thoracic aortic aneurysm and aortic dissection (TAAD). Also called: Thoracic aortic aneurysms and dissections. Identifiers: Orphanet 91387, MedGen C4707243, MONDO:0019625.

Submission:

Color Diagnostics, LLC DBA Color Health
Classification: Uncertain significance for Familial thoracic aortic aneurysm and aortic dissection. Last evaluated: 2025-06-29. Review status: criteria provided, single submitter. Criteria: ACMG Guidelines, 2015. Collection method: clinical testing. Allele origin: germline.
Comment: This missense variant replaces threonine with isoleucine at codon 2191 of the FBN1 protein. Computational prediction suggests that this variant may not impact protein structure and function. To our knowledge, functional studies have not been reported for this variant. This variant has not been reported in individuals affected with FBN1-related disorders in the literature. This variant has not been identified in the general population by the Genome Aggregation Database (gnomAD). The available evidence is insufficient to determine the role of this variant in disease conclusively. Therefore, this variant is classified as a Variant of Uncertain Significance.